The following is an entry in ClinVar:

ClinVar aggregate classification (germline): Benign. Review status: criteria provided, multiple submitters, no conflicts (2 of 4 stars). 4 submissions from 4 submitters: Benign (2). 2 of the submissions do not count toward it. Last evaluated 2025-02-24.

Conditions:
Kleefstra syndrome 2 (KLEFS2). Identifiers: MedGen C4540395, MONDO:0054701, OMIM 617768.
KMT2C-related disorder. Also called: KMT2C-related disorders; KMT2C-related condition.

Allele frequency attached by ClinVar (database versions not stated): gnomAD 0.00001 and 0.00019; TOPMed 0.00004; gnomAD exomes 0.00039 and 0.00078; ExAC 0.00091; 1000 Genomes Project 30x 0.00203; 1000 Genomes Project 0.00220.
gnomAD v4.1: 590 of 1,614,202 alleles (0.037%); highest among the groups gnomAD compares: South Asian, 0.62%; 6 homozygotes.

Submissions (4):

Labcorp Genetics (formerly Invitae), Labcorp
Classification: Benign. Last evaluated: 2025-02-24. Review status: criteria provided, single submitter. Criteria: Invitae Variant Classification Sherloc (09022015). Collection method: clinical testing. Allele origin: germline.

Department of Pathology and Laboratory Medicine, Sinai Health System
Classification: Benign for Kleefstra syndrome 2. Last evaluated: 2023-04-17. Review status: criteria provided, single submitter. Criteria: ACMG Guidelines, 2015. Collection method: research. Allele origin: germline.

PreventionGenetics, part of Exact Sciences
Classification: Benign for KMT2C-related condition. Last evaluated: 2019-02-20. Review status: no assertion criteria provided. Collection method: clinical testing. Allele origin: germline. Not counted in ClinVar's aggregate classification.
Comment: This variant is classified as benign based on ACMG/AMP sequence variant interpretation guidelines (Richards et al. 2015 PMID: 25741868, with internal and published modifications).

ITMI
No classification provided. Condition: AllHighlyPenetrant. Last evaluated: 2013-09-19. Review status: no classification provided. Collection method: reference population. Allele origin: germline. Not counted in ClinVar's aggregate classification.
Comment: Please see associated publication for description of ethnicities

Literature cited by the submitters: PubMed 24728327 (cited by ITMI).

NM_170606.3(KMT2C):c.11614G>A (p.Glu3872Lys)

Gene: KMT2C (lysine methyltransferase 2C; minus strand). Cytogenetic location: 7q36.1.
Variant type: single nucleotide variant.
Coding change: c.11614G>A on transcript NM_170606.3 (MANE Select); coding-DNA position 11614, G replaced by A.
Protein change: p.Glu3872Lys; replaces glutamic acid 3872 with lysine.
Molecular consequence: missense variant.
Genome position (GRCh38, 1-based): chr7:152,158,919, C>T on the plus strand (G>A on the coding strand, the complement: KMT2C is on the minus strand). VCF-style: chr7-152158919-C-T. GRCh37 (hg19) VCF-style: chr7-151856004-C-T.
Other names: c.11614G>A (NM_170606.2); short protein forms E3872K.
Identifiers: ClinVar variation 134806 (VCV000134806.9), dbSNP rs201674711, ClinGen allele CA160781.